The following is an entry in ClinVar:

NM_001127464.1:c.4469T>C

Gene: ZNF469 (zinc finger protein 469; plus strand).
Variant type: single nucleotide variant.
Identifiers: ClinVar variation 4615439 (VCV004615439.1).

ClinVar aggregate classification (germline): Uncertain significance (1 of 4 stars; one submission).

Conditions:
Cardiovascular phenotype. Identifiers: MedGen CN230736.

Submission:

Ambry Genetics
Classification: Uncertain significance for Cardiovascular phenotype. Last evaluated: 2025-09-18. Review status: criteria provided, single submitter. Criteria: Ambry Variant Classification Scheme 2023. Collection method: clinical testing. Allele origin: germline.
Comment: The p.L1490P variant (also known as c.4469T>C), located in coding exon 2 of the ZNF469 gene, results from a T to C substitution at nucleotide position 4469. The leucine at codon 1490 is replaced by proline, an amino acid with similar properties. This amino acid position is conserved. In addition, this alteration is predicted to be tolerated by in silico analysis. Based on the available evidence, the clinical significance of this variant remains unclear.